The following is an entry in ClinVar:

NM_172107.4(KCNQ2):c.2127del (p.Val710fs)

Gene: KCNQ2 (potassium voltage-gated channel subfamily Q member 2; minus strand). Cytogenetic location: 20q13.33.
Variant type: Deletion.
Coding change: c.2127del on transcript NM_172107.4 (MANE Select); coding-DNA position 2127, one base deleted (T; older notation c.2127delT).
Protein change: p.Val710fs; shifts the reading frame from valine 710.
Molecular consequence: frameshift variant.
Genome position (GRCh38, 1-based): chr20:63,407,136, A deleted on the plus strand (T on the coding strand, the reverse complement: KCNQ2 is on the minus strand). VCF-style (leftmost placement, unchanged base first): chr20-63407135-CA-C. GRCh37 (hg19) VCF-style: chr20-62038488-CA-C.
Other names: c.2043del, p.Val682fs (NM_004518.6); c.2073del, p.Val692fs (NM_172106.3); c.2034del, p.Val679fs (NM_172108.5); short protein forms V710fs, V679fs, V682fs, V692fs.
Identifiers: ClinVar variation 7390 (VCV000007390.17), dbSNP rs118192244, ClinGen allele CA315556.

ClinVar aggregate classification (germline): Pathogenic. Review status: criteria provided, multiple submitters, no conflicts (2 of 4 stars). 9 submissions from 9 submitters: Pathogenic (6). 3 of the submissions do not count toward it. Last evaluated 2026-08-27.

Conditions:
Early-infantile DEE. Also called: Ohtahara syndrome; Early infantile epileptic encephalopathy with suppression bursts; Early infantile epileptic encephalopathy. Identifiers: Orphanet 1934, MedGen C0393706, MONDO:0800491.
Inborn genetic diseases. Identifiers: MedGen C0950123, MeSH D030342.
KCNQ2-Related Disorders. Also called: KCNQ2-related disorder; KCNQ2-related condition. Identifiers: MedGen CN169299.
Developmental and epileptic encephalopathy, 7 (DEE7). Also called: Early infantile epileptic encephalopathy 7; KCNQ2-Related Neonatal-Onset Developmental and Epileptic Encephalopathy (NEO-DEE); KCNQ2-Related Neonatal Epileptic Encephalopathy. Identifiers: Orphanet 439218, MedGen C3150986, MONDO:0013387, OMIM 613720.
Seizures, benign familial neonatal, 1. Also called: Benign Neonatal Epilepsy 1; KCNQ2-Related Self-Limited Familial Neonatal Epilepsy (SLFNE); KCNQ2-Related Benign Familial Neonatal Epilepsy; Seizures, benign neonatal, 1. Identifiers: Orphanet 1949, MedGen C3149074, MONDO:0007365, OMIM 121200.
Seizure. Also called: Seizures. Identifiers: MedGen C0036572, HP:0001250.

Submissions (9):

Ambry Genetics
Classification: Pathogenic for Inborn genetic diseases. Last evaluated: 2026-08-27. Review status: criteria provided, single submitter. Criteria: Ambry Variant Classification Scheme 2023. Collection method: clinical testing. Allele origin: germline.
Comment: The c.2127delT (p.V710Sfs*220) alteration, located in exon 17 (coding exon 17) of the KCNQ2 gene, consists of a deletion of one nucleotide at position 2127, causing a translational frameshift with a predicted alternate stop codon after 220 amino acids. This variant occurs at the 3' terminus of the KCNQ2gene, is not expected to trigger nonsense-mediated mRNA decay and results in the elongation of the protein by 56 amino acids. This frameshift impacts the last 18.7% of amino acids of the native protein. However, frameshifts are typically deleterious in nature, the impacted region is critical for protein function, and a significant portion of the protein is affected (Ambry internal data). for KCNQ2-related seizure disorder; however, its clinical significance for KCNQ2-related neurodevelopmental disorder is uncertain This variant was not reported in population-based cohorts in the Genome Aggregation Database (gnomAD). This variant was reported in individual(s) with features consistent with KCNQ2-related seizure disorder (Coppola, 2003; Zimprich, 2006; Hortig&uuml;ela, 2017; Lindy, 2018). Based on the available evidence, this alteration is classified as pathogenic.

Labcorp Genetics (formerly Invitae), Labcorp
Classification: Pathogenic for Early-infantile DEE. Last evaluated: 2025-02-12. Review status: criteria provided, single submitter. Criteria: Invitae Variant Classification Sherloc (09022015). Collection method: clinical testing. Allele origin: germline.
Comment: This sequence change results in a frameshift in the KCNQ2 gene (p.Val710Serfs*220). While this is not anticipated to result in nonsense mediated decay, it is expected to disrupt the last 163 amino acid(s) of the KCNQ2 protein and extend the protein by 56 additional amino acid residues. This variant is not present in population databases (gnomAD no frequency). This frameshift has been observed in individuals with benign familial neonatal convulsions (PMID: 12847176, 16966552, 27535030). This variant is also known as c.2043del. ClinVar contains an entry for this variant (Variation ID: 7390). Algorithms developed to predict the effect of variants on gene product structure and function are not available or were not evaluated for this variant. Experimental studies have shown that this frameshift affects KCNQ2 function (PMID: 2847176, 16260777). This variant disrupts a region of the KCNQ2 protein in which other variant(s) (p.Cys774Leufs*91) have been determined to be pathogenic (PMID: 23692823). This suggests that this is a clinically significant region of the protein, and that variants that disrupt it are likely to be disease-causing. For these reasons, this variant has been classified as Pathogenic.

Cytogénomique, Hospices Civils de Lyon
Classification: Pathogenic for Seizure. Last evaluated: 2024-09-24. Review status: criteria provided, single submitter. Criteria: ACMG Guidelines, 2015. Collection method: clinical testing. Allele origin: de novo. Affected: yes.

Blueprint Genetics
Classification: Pathogenic for KCNQ2-related disorders. Last evaluated: 2020-09-16. Review status: criteria provided, single submitter. Criteria: ACMG Guidelines, 2015. Collection method: clinical testing. Allele origin: germline. Affected: yes. Observed: 2 variant alleles.

Institute of Human Genetics Munich, TUM University Hospital
Classification: Pathogenic for Developmental and epileptic encephalopathy, 7. Last evaluated: 2017-11-15. Review status: criteria provided, single submitter. Criteria: Classification criteria August 2017. Collection method: clinical testing. Allele origin: de novo. Inheritance: Autosomal dominant inheritance. Affected: yes. Observed: 1 heterozygote.

GeneDx
Classification: Pathogenic. Last evaluated: 2014-07-22. Review status: criteria provided, single submitter. Criteria: GeneDx Variant Classification (06012015). Collection method: clinical testing. Allele origin: germline. Affected: yes.
Comment: c.2127delT: p.Val710SerfsX220 (V710SfsX220) in exon 17 of the KCNQ2 gene (NM_172107.2). The normal sequence with the base that is deleted in braces is: GCCCCC{T}GTCC.The c.2127delT mutation in the KCNQ2 gene has been reported previously in association with benign familial neonatal seizures (Coppola et al., 2003). The deletion causes a frameshift starting with codon Valine 710, changes this amino acid to a Serine residue and creates a premature Stop codon at position 220 of the new reading frame, denoted p.Val710SerfsX220. This results in the replacement of the last 163 amino acids of the KCNQ2 protein with 219 incorrect amino acids. The variant is found in INFANT-EPI panel(s).

OMIM
Classification: Pathogenic for SEIZURES, BENIGN FAMILIAL NEONATAL, 1. Last evaluated: 2006-09-12. Review status: no assertion criteria provided. Collection method: literature only. Allele origin: germline. Not counted in ClinVar's aggregate classification.

GeneReviews
No classification provided. Condition: Seizures, benign familial neonatal, 1. Review status: no classification provided. Collection method: literature only. Allele origin: germline. Affected: yes. Not counted in ClinVar's aggregate classification.
Comment: BFNE (benign familial neonatal epilepsy)

Functional effect: Lack of functional homomeric channels; reduction in current amplitude of heteromeric channels; decreased protein stability and enhanced degradation

NeuroMeGen, Hospital Clinico Santiago de Compostela
Classification: Pathogenic for Seizures, benign familial neonatal, 1. Review status: no assertion criteria provided. Criteria: ACMG Guidelines, 2015. Collection method: clinical testing. Allele origin: maternal. Affected: yes. Not counted in ClinVar's aggregate classification.

Literature cited by the submitters: PubMed 12847176 (cited by 3 submitters); PubMed 16966552 (cited by 4 submitters); PubMed 27535030 (cited by Ambry Genetics and Labcorp Genetics (formerly Invitae), Labcorp); PubMed 29655203 (cited by Ambry Genetics); PubMed 2847176 (cited by Labcorp Genetics (formerly Invitae), Labcorp); PubMed 16260777 (cited by Labcorp Genetics (formerly Invitae), Labcorp and GeneReviews); PubMed 23692823 (cited by Labcorp Genetics (formerly Invitae), Labcorp); Rett, A., Teubel, R. Neugeborenenkraempfe im Rahmen einer epileptisch belasteten Familie. Wien. Klin. Wschr. 76: 609-613, 1964. (cited by OMIM); NCBI Bookshelf NBK32534 (cited by GeneReviews).